The following is an entry in ClinVar:

ClinVar aggregate classification (germline): Uncertain significance (1 of 4 stars; one submission).

Conditions:
Inborn genetic diseases. Identifiers: MedGen C0950123, MeSH D030342.

Submission:

Ambry Genetics
Classification: Uncertain significance for Inborn genetic diseases. Last evaluated: 2026-04-01. Review status: criteria provided, single submitter. Criteria: Ambry Variant Classification Scheme 2023. Collection method: clinical testing. Allele origin: germline.
Comment: The c.1346G>A (p.S449N) alteration is located in exon 3 (coding exon 3) of the SHH gene. This alteration results from a G to A substitution at nucleotide position 1346, causing the serine (S) at amino acid position 449 to be replaced by an asparagine (N). Based on data from gnomAD, the A allele has an overall frequency of <0.001% (1/190654) total alleles studied. The highest observed frequency was 0.001% (1/85888) of European (non-Finnish) alleles. Based on insufficient or conflicting evidence, the clinical significance of this alteration remains unclear.

NM_000193.4(SHH):c.1346G>A (p.Ser449Asn)

Gene: SHH (sonic hedgehog signaling molecule; minus strand). Cytogenetic location: 7q36.3.
Variant type: single nucleotide variant.
Coding change: c.1346G>A on transcript NM_000193.4 (MANE Select); coding-DNA position 1346, G replaced by A.
Protein change: p.Ser449Asn; replaces serine 449 with asparagine.
Molecular consequence: missense variant. On other transcripts: intron variant (1).
Genome position (GRCh38, 1-based): chr7:155,802,943, C>T on the plus strand (G>A on the coding strand, the complement: SHH is on the minus strand). VCF-style: chr7-155802943-C-T. GRCh37 (hg19) VCF-style: chr7-155595637-C-T.
Other names: c.302-2698G>A (NM_001310462.2); short protein forms S449N.
Identifiers: ClinVar variation 4864496 (VCV004864496.1).